The following is an entry in ClinVar:

ClinVar aggregate classification (germline): Pathogenic (0 of 4 stars; one submission).

Conditions:
Leprechaunism syndrome. Also called: LEPRECHAUNISM; Donohue syndrome. Identifiers: Orphanet 508, MedGen C0265344, MONDO:0009517, OMIM 246200.

Submission:

Laboratory of Molecular Biology and Genetics, St Antoine Hospital - APHP
Classification: Pathogenic for Leprechaunism syndrome. Review status: no assertion criteria provided. Collection method: clinical testing. Allele origin: inherited. Inheritance: Autosomal recessive inheritance. Affected: yes. Observed: 1 homozygote.
Comment: Thr211Ile variant - Insulin binding domain

NM_000208.4(INSR):c.632C>T (p.Thr211Ile)

Gene: INSR (insulin receptor; minus strand). Cytogenetic location: 19p13.2.
Variant type: single nucleotide variant.
Coding change: c.632C>T on transcript NM_000208.4 (MANE Select); coding-DNA position 632, C replaced by T.
Protein change: p.Thr211Ile; replaces threonine 211 with isoleucine.
Molecular consequence: missense variant.
Genome position (GRCh38, 1-based): chr19:7,267,365, G>A on the plus strand (C>T on the coding strand, the complement: INSR is on the minus strand). VCF-style: chr19-7267365-G-A. GRCh37 (hg19) VCF-style: chr19-7267376-G-A.
Other names: c.632C>T, p.Thr211Ile (NM_001079817.3); short protein forms T211I.
Identifiers: ClinVar variation 916551 (VCV000916551.3), dbSNP rs1967766760, ClinGen allele CA403159040.
Genomic context (GRCh38, chr19:7,267,365, plus strand): 5'-GGCACGAGACACTGCTTAGAACCCTGTATCCCCGGCGTACCTTTCTGGCAGTGACTATGA[G>A]TCCAACATCGTTCGACAAACTGCCCGTTGATGACGGTGGCGGGGCAGTTGGTCTTGCCCT-3'
Protein context (NP_000199.2, residues 201-221): INGQFVERCW[Thr211Ile]HSHCQKVCPT